The following is an entry in ClinVar:

NM_000384.3(APOB):c.199A>G (p.Thr67Ala)

Genes: APOB (apolipoprotein B; minus strand), LOC106560211 (APOB 5' regulatory region; plus strand). Cytogenetic location: 2p24.1.
Variant type: single nucleotide variant.
Coding change: c.199A>G on transcript NM_000384.3 (MANE Select); coding-DNA position 199, A replaced by G.
Protein change: p.Thr67Ala; replaces threonine 67 with alanine.
Molecular consequence: missense variant.
Genome position (GRCh38, 1-based): chr2:21,042,399, T>C on the plus strand (A>G on the coding strand, the complement: APOB is on the minus strand). VCF-style: chr2-21042399-T-C. GRCh37 (hg19) VCF-style: chr2-21265271-T-C.
Other names: short protein forms T67A.
Identifiers: ClinVar variation 3763441 (VCV003763441.2).

ClinVar aggregate classification (germline): Uncertain significance (1 of 4 stars; one submission).

Conditions:
Familial hypobetalipoproteinemia 1. Also called: Hypobetalipoproteinemia, normotriglyceridemic; Acanthocytosis with hypobetalipoproteinemia; APOB-Related Familial Hypobetalipoproteinemia. Identifiers: MedGen C4551990, MONDO:0014252, OMIM 615558.
Hypercholesterolemia, autosomal dominant, type B (FHCL2). Also called: APOB-Related Familial Hypercholesterolemia, Autosomal Dominant; Familial Hypercholesterolemia Type B; APOLIPOPROTEIN B-100, FAMILIAL DEFECTIVE; APOLIPOPROTEIN B-100, FAMILIAL LIGAND-DEFECTIVE; HYPERCHOLESTEROLEMIA, FAMILIAL, DUE TO LIGAND-DEFECTIVE APOLIPOPROTEIN B; Familial hypercholesterolemia 2. Identifiers: MedGen C1704417, MONDO:0007751, OMIM 144010.

Submission:

Labcorp Genetics (formerly Invitae), Labcorp
Classification: Uncertain significance for Familial hypobetalipoproteinemia 1; Hypercholesterolemia, autosomal dominant, type B. Last evaluated: 2025-05-17. Review status: criteria provided, single submitter. Criteria: Invitae Variant Classification Sherloc (09022015). Collection method: clinical testing. Allele origin: germline.
Comment: This sequence change replaces threonine, which is neutral and polar, with alanine, which is neutral and non-polar, at codon 67 of the APOB protein (p.Thr67Ala). This variant is not present in population databases (gnomAD no frequency). This missense change has been observed in individual(s) with familial hypercholesterolemia (PMID: 34456049). ClinVar contains an entry for this variant (Variation ID: 3763441). Invitae Evidence Modeling of protein sequence and biophysical properties (such as structural, functional, and spatial information, amino acid conservation, physicochemical variation, residue mobility, and thermodynamic stability) indicates that this missense variant is not expected to disrupt APOB protein function with a negative predictive value of 95%. In summary, the available evidence is currently insufficient to determine the role of this variant in disease. Therefore, it has been classified as a Variant of Uncertain Significance.

Literature cited by the submitters: PubMed 34456049.